The following is an entry in ClinVar:

ClinVar aggregate classification (germline): Uncertain significance (1 of 4 stars; one submission).

Conditions:
Atypical hemolytic-uremic syndrome. Identifiers: Orphanet 2134, MedGen C2931788, MONDO:0016244.

gnomAD v4.1: 25 of 1,612,418 alleles (0.0016%); highest among the groups gnomAD compares: East Asian, 0.056%; no homozygotes.

Submission:

Genomenon, Inc
Classification: Uncertain significance for Atypical hemolytic-uremic syndrome. Last evaluated: 2025-10-02. Review status: criteria provided, single submitter. Criteria: Genomenon Sequence Variant Interpretation Standards - Updated. Collection method: curation. Allele origin: germline. Affected: yes.
Comment: CFH p.His651Tyr (c.1951C>T) is a missense variant that changes the amino acid at residue 651 from Histidine to Tyrosine. This variant has been observed in at least one proband affected with atypical hemolytic-uremic syndrome (PMID:29511899). It is absent or not present at a significant frequency in gnomAD. In conclusion, we classify CFH p.His651Tyr (c.1951C>T) as a variant of uncertain significance.

Literature cited by the submitters: PubMed 29511899.

NM_000186.4(CFH):c.1951C>T (p.His651Tyr)

Gene: CFH (complement factor H; plus strand). Cytogenetic location: 1q31.3.
Variant type: single nucleotide variant.
Coding change: c.1951C>T on transcript NM_000186.4 (MANE Select); coding-DNA position 1951, C replaced by T.
Protein change: p.His651Tyr; replaces histidine 651 with tyrosine.
Molecular consequence: missense variant.
Genome position (GRCh38, 1-based): chr1:196,726,547, C>T. VCF-style: chr1-196726547-C-T. GRCh37 (hg19) VCF-style: chr1-196695677-C-T.
Other names: short protein forms H651Y.
Identifiers: ClinVar variation 4291436 (VCV004291436.1).